The following is an entry in ClinVar:

ClinVar aggregate classification (germline): Conflicting classifications of pathogenicity. Review status: criteria provided, conflicting classifications (1 of 4 stars). 11 submissions from 10 submitters: Pathogenic (1); Likely pathogenic (2); Uncertain significance (7). 1 of the submissions does not count toward it. Last evaluated 2026-06-30.

Conditions:
Inborn genetic diseases. Identifiers: MedGen C0950123, MeSH D030342.
Joubert syndrome. Also called: Familial aplasia of the vermis; JOUBERT-BOLTSHAUSER SYNDROME. Identifiers: Orphanet 475, MedGen C5979921, MONDO:0018772.
Meckel-Gruber syndrome. Also called: Dysencephalia splachnocystica; DYSENCEPHALIA SPLANCHNOCYSTICA; GRUBER SYNDROME. Identifiers: Orphanet 564, MedGen C0265215, MONDO:0018921.
Joubert syndrome 9 (JBTS9). Identifiers: Orphanet 2318, MedGen C2676788, MONDO:0012849, OMIM 612285.
CC2D2A-related disorder. Also called: CC2D2A-related disorders; CC2D2A-related condition. Identifiers: MedGen CN239313.
Joubert syndrome and related disorders. Identifiers: Orphanet 140874, MedGen C5679612, MONDO:0015369.
Meckel syndrome, type 6. Identifiers: Orphanet 564, MedGen C2676790, MONDO:0012848, OMIM 612284.

Allele frequency attached by ClinVar (database versions not stated): gnomAD 0.00002 and 0.00003; TOPMed 0.00002; gnomAD exomes 0.00003 and 0.00005; ExAC 0.00006.
gnomAD v4.1: 49 of 1,539,870 alleles (0.0032%); highest among the groups gnomAD compares: Non-Finnish European, 0.004%; no homozygotes.

Submissions (11):

Women's Health and Genetics/Laboratory Corporation of America, LabCorp
Classification: Likely pathogenic for Joubert syndrome and related disorders. Last evaluated: 2026-06-30. Review status: criteria provided, single submitter. Criteria: LabCorp Variant Classification Summary - May 2015. Collection method: clinical testing. Allele origin: germline.
Comment: Variant summary: CC2D2A c.3596T>C (p.Ile1199Thr) results in a non-conservative amino acid change in the encoded protein sequence. Algorithms developed to predict the effect of missense changes on protein structure and function all suggest that this variant is likely to be disruptive. Several computational tools predict a significant impact on normal splicing: Two predict the variant no significant impact on splicing. Two predict the variant weakens a 3' acceptor site. However, these predictions have yet to be confirmed by functional studies. The variant allele was found at a frequency of 4.8e-05 in 145554 control chromosomes. c.3596T>C has been observed in at least two compound heterozygous individual(s) affected with CC2D2A-related conditions (Bachmann_2015, Harion_2023). These data indicate that the variant may be associated with disease. To our knowledge, no experimental evidence demonstrating an impact on protein function has been reported. The following publications have been ascertained in the context of this evaluation (PMID: 26092869, 36319078). ClinVar contains an entry for this variant (Variation ID: 217608). Based on the evidence outlined above, the variant was classified as likely pathogenic.

Labcorp Genetics (formerly Invitae), Labcorp
Classification: Pathogenic for Joubert syndrome; Meckel-Gruber syndrome. Last evaluated: 2026-01-19. Review status: criteria provided, single submitter. Criteria: Invitae Variant Classification Sherloc (09022015). Collection method: clinical testing. Allele origin: germline.
Comment: This sequence change replaces isoleucine, which is neutral and non-polar, with threonine, which is neutral and polar, at codon 1199 of the CC2D2A protein (p.Ile1199Thr). This variant is present in population databases (rs760918829, gnomAD 0.007%). This missense change has been observed in individual(s) with Joubert syndrome (PMID: 26092869, 36319078). In at least one individual the data is consistent with being in trans (on the opposite chromosome) from a pathogenic variant. ClinVar contains an entry for this variant (Variation ID: 217608). Invitae Evidence Modeling of protein sequence and biophysical properties (such as structural, functional, and spatial information, amino acid conservation, physicochemical variation, residue mobility, and thermodynamic stability) indicates that this missense variant is expected to disrupt CC2D2A protein function with a positive predictive value of 80%. For these reasons, this variant has been classified as Pathogenic.

PreventionGenetics, part of Exact Sciences
Classification: Likely pathogenic for CC2D2A-related condition. Last evaluated: 2025-12-17. Review status: criteria provided, single submitter. Criteria: ACMG Guidelines, 2015. Collection method: clinical testing. Allele origin: germline.
Comment: The CC2D2A c.3596T>C variant is predicted to result in the amino acid substitution p.Ile1199Thr. This variant has been reported in the compound heterozygous state in one patient with Joubert syndrome (Table S5, Bachmann-Gagescu et al. 2015. PubMed ID: 26092869). At PreventionGenetics, we have observed this variant along with a second variant in the CC2D2A gene in three individuals tested on the Joubert syndrome panel or for the CC2D2A gene. This variant is reported in 0.0083% of alleles in individuals of European (Non-Finnish) descent in gnomAD. Taken together we interpret this variant as likely pathogenic.

Revvity Omics, Revvity
Classification: Uncertain significance. Last evaluated: 2023-07-20. Review status: criteria provided, single submitter. Criteria: ACMG Guidelines, 2015. Collection method: clinical testing. Allele origin: germline.

Blueprint Genetics
Classification: Uncertain significance. Last evaluated: 2022-08-27. Review status: criteria provided, single submitter. Criteria: ACMG Guidelines, 2015. Collection method: clinical testing. Allele origin: germline.

GeneDx
Classification: Uncertain significance. Last evaluated: 2020-12-17. Review status: criteria provided, single submitter. Criteria: GeneDx Variant Classification Process June 2021. Collection method: clinical testing. Allele origin: germline. Affected: yes.
Comment: Reported in a patient with Joubert syndrome who also harbored a second CC2D2A variant, phase unknown (Bachmann-Gagescu et al., 2015); Not observed at a significant frequency in large population cohorts (Lek et al., 2016); In silico analysis supports that this missense variant has a deleterious effect on protein structure/function; This variant is associated with the following publications: (PMID: 26092869)

Ambry Genetics
Classification: Uncertain significance for Inborn genetic diseases. Last evaluated: 2018-10-09. Review status: criteria provided, single submitter. Criteria: Ambry exome assertion method (8-5-2015). Collection method: clinical testing. Allele origin: germline. Affected: yes. Observed: 1 variant allele.

Illumina Laboratory Services, Illumina
Classification: Uncertain significance for Meckel syndrome, type 6. Last evaluated: 2018-01-12. Review status: criteria provided, single submitter. Criteria: ICSL Variant Classification Criteria 13 December 2019. Collection method: clinical testing. Allele origin: germline.

Illumina Laboratory Services, Illumina
Classification: Uncertain significance for Joubert syndrome 9. Last evaluated: 2018-01-12. Review status: criteria provided, single submitter. Criteria: ICSL Variant Classification Criteria 13 December 2019. Collection method: clinical testing. Allele origin: germline.

Eurofins Ntd Llc (ga)
Classification: Uncertain significance. Last evaluated: 2017-07-25. Review status: criteria provided, single submitter. Criteria: EGL Classification Definitions 2015. Collection method: clinical testing. Allele origin: germline. Observed: 1 variant allele, 1 heterozygote.

UW Hindbrain Malformation Research Program, University of Washington
Classification: Pathogenic for Joubert syndrome 9. Last evaluated: 2015-02-23. Review status: flagged submission. Criteria: Bachmann-Gagescu et al. (J Med Genet. 2015). Collection method: research. Allele origin: unknown. Affected: yes. Not counted in ClinVar's aggregate classification.
ClinVar note: Reason: Outlier claim with insufficient supporting evidence

Literature cited by the submitters: PubMed 26092869 (cited by 3 submitters); PubMed 36319078 (cited by Women's Health and Genetics/Laboratory Corporation of America, LabCorp and Labcorp Genetics (formerly Invitae), Labcorp); PubMed 8253763 (cited by Ambry Genetics); PubMed 22241855 (cited by Ambry Genetics).

NM_001378615.1(CC2D2A):c.3596T>C (p.Ile1199Thr)

Genes: CC2D2A (coiled-coil and C2 domain containing 2A; plus strand), FBXL5 (F-box and leucine rich repeat protein 5; minus strand). Cytogenetic location: 4p15.32.
Variant type: single nucleotide variant.
Coding change: c.3596T>C on transcript NM_001378615.1 (MANE Select); coding-DNA position 3596, T replaced by C.
Protein change: p.Ile1199Thr; replaces isoleucine 1199 with threonine.
Molecular consequence: missense variant.
Genome position (GRCh38, 1-based): chr4:15,574,151, T>C. VCF-style: chr4-15574151-T-C. GRCh37 (hg19) VCF-style: chr4-15575774-T-C.
Other names: c.3596T>C, p.Ile1199Thr (NM_001080522.2); c.3449T>C, p.Ile1150Thr (NM_001378617.1); short protein forms I1199T, I1150T.
Identifiers: ClinVar variation 217608 (VCV000217608.24), dbSNP rs760918829, ClinGen allele CA210331.